The following is an entry in ClinVar:

ClinVar aggregate classification (germline): Uncertain significance (1 of 4 stars; one submission).

gnomAD v4.1: 10 of 1,612,162 alleles (0.00062%); highest among the groups gnomAD compares: Admixed American, 0.005%; no homozygotes.

Submission:

Labcorp Genetics (formerly Invitae), Labcorp
Classification: Uncertain significance. Last evaluated: 2025-09-22. Review status: criteria provided, single submitter. Criteria: Invitae Variant Classification Sherloc (09022015). Collection method: clinical testing. Allele origin: germline.
Comment: This sequence change replaces proline, which is neutral and non-polar, with alanine, which is neutral and non-polar, at codon 1893 of the FAT4 protein (p.Pro1893Ala). This variant is present in population databases (no rsID available, gnomAD 0.006%). This variant has not been reported in the literature in individuals affected with FAT4-related conditions. Invitae Evidence Modeling of protein sequence and biophysical properties (such as structural, functional, and spatial information, amino acid conservation, physicochemical variation, residue mobility, and thermodynamic stability) indicates that this missense variant is not expected to disrupt FAT4 protein function with a negative predictive value of 95%. In summary, the available evidence is currently insufficient to determine the role of this variant in disease. Therefore, it has been classified as a Variant of Uncertain Significance.

NM_001291303.3(FAT4):c.5677C>G (p.Pro1893Ala)

Gene: FAT4 (FAT atypical cadherin 4; plus strand). Cytogenetic location: 4q28.1.
Variant type: single nucleotide variant.
Coding change: c.5677C>G on transcript NM_001291303.3 (MANE Select); coding-DNA position 5677, C replaced by G.
Protein change: p.Pro1893Ala; replaces proline 1893 with alanine.
Molecular consequence: missense variant.
Genome position (GRCh38, 1-based): chr4:125,408,551, C>G. VCF-style: chr4-125408551-C-G. GRCh37 (hg19) VCF-style: chr4-126329706-C-G.
Other names: c.5677C>G, p.Pro1893Ala (NM_001291285.3, NM_001438396.1, NM_001438397.1 and 1 more transcripts); c.448C>G, p.Pro150Ala (NM_001437895.1); short protein forms P1893A, P150A.
Identifiers: ClinVar variation 4701913 (VCV004701913.1).